The following is an entry in ClinVar:

NM_000257.4(MYH7):c.4945T>A (p.Leu1649Met)

Genes: MHRT (myosin heavy chain associated RNA transcript; plus strand), MYH7 (myosin heavy chain 7; minus strand), LOC126861897 (BRD4-independent group 4 enhancer GRCh37_chr14:23884455-23885654; plus strand). Cytogenetic location: 14q11.2.
Variant type: single nucleotide variant.
Coding change: c.4945T>A on transcript NM_000257.4 (MANE Select); coding-DNA position 4945, T replaced by A.
Protein change: p.Leu1649Met; replaces leucine 1649 with methionine.
Molecular consequence: missense variant. On other transcripts: non-coding transcript variant (1).
Genome position (GRCh38, 1-based): chr14:23,416,012, A>T on the plus strand (T>A on the coding strand, the complement: MYH7 is on the minus strand). VCF-style: chr14-23416012-A-T. GRCh37 (hg19) VCF-style: chr14-23885221-A-T.
Other names: c.4945T>A, p.Leu1649Met (NM_001407004.1); short protein forms L1649M.
Identifiers: ClinVar variation 2577252 (VCV002577252.4), dbSNP rs2502244220, ClinGen allele CA389037295.

ClinVar aggregate classification (germline): Uncertain significance. Review status: criteria provided, multiple submitters, no conflicts (2 of 4 stars). 4 submissions from 4 submitters: Uncertain significance (4). Last evaluated 2026-08-10.

Conditions:
Cardiovascular phenotype. Identifiers: MedGen CN230736.
Cardiomyopathy (CMYO). Also called: Cardiomyopathies. Identifiers: Orphanet 167848, MedGen C0878544, MONDO:0004994, HP:0001638. Inheritance: Various modes of inheritance.

Allele frequency attached by ClinVar (database versions not stated): gnomAD exomes below 0.00001.
gnomAD v4.1: 1 of 1,614,142 alleles (0.000062%); highest among the groups gnomAD compares: Admixed American, 0.0017%; no homozygotes.

Submissions (4):

Ambry Genetics
Classification: Uncertain significance for Cardiovascular phenotype. Last evaluated: 2026-08-10. Review status: criteria provided, single submitter. Criteria: Ambry Variant Classification Scheme 2023. Collection method: clinical testing. Allele origin: germline.
Comment: The p.L1649M variant (also known as c.4945T>A), located in coding exon 32 of the MYH7 gene, results from a T to A substitution at nucleotide position 4945. The leucine at codon 1649 is replaced by methionine, an amino acid with highly similar properties. This amino acid position is conserved. In addition, this alteration is predicted to be tolerated by in silico analysis. Based on the available evidence, the clinical significance of this variant remains unclear.

Color Diagnostics, LLC DBA Color Health
Classification: Uncertain significance for Cardiomyopathy. Last evaluated: 2025-09-11. Review status: criteria provided, single submitter. Criteria: ACMG Guidelines, 2015. Collection method: clinical testing. Allele origin: germline.
Comment: This missense variant replaces leucine with methionine at codon 1649 of the MYH7 protein. Computational prediction suggests that this variant may not impact protein structure and function. To our knowledge, functional studies have not been reported for this variant. This variant has not been reported in individuals affected with MYH7-related disorders in the literature. This variant has not been identified in the general population by the Genome Aggregation Database (gnomAD). The available evidence is insufficient to determine the role of this variant in disease conclusively. Therefore, this variant is classified as a Variant of Uncertain Significance.

All of Us Research Program, National Institutes of Health
Classification: Uncertain significance for Cardiomyopathy. Last evaluated: 2024-03-05. Review status: criteria provided, single submitter. Criteria: ACMG Guidelines, 2015. Collection method: clinical testing. Allele origin: germline. Inheritance: Autosomal dominant inheritance. Observed: 1 variant allele, 1 heterozygote.
Comment: This study involves interpretation of variants in research participants for the purpose of population health screening. Participant phenotype was not available at the time of variant classification. Additional details can be found in publication PMID: 35346344, PMCID: PMC8962531

Women's Health and Genetics/Laboratory Corporation of America, LabCorp
Classification: Uncertain significance. Last evaluated: 2023-07-16. Review status: criteria provided, single submitter. Criteria: LabCorp Variant Classification Summary - May 2015. Collection method: clinical testing. Allele origin: germline.